The following is an entry in ClinVar:

NM_007294.4(BRCA1):c.1444_1447dup (p.Ile483fs)

Gene: BRCA1 (BRCA1 DNA repair associated; minus strand). Cytogenetic location: 17q21.31.
Variant type: Duplication.
Coding change: c.1444_1447dup on transcript NM_007294.4 (MANE Select); coding-DNA positions 1444 to 1447, 4 bases duplicated (ATTA; older notation c.1444_1447dupATTA).
Protein change: p.Ile483fs; shifts the reading frame from isoleucine 483.
Molecular consequence: frameshift variant. On other transcripts: intron variant (137).
Genome position (GRCh38, 1-based): chr17:43,094,084-43,094,087, TAAT duplicated on the plus strand (ATTA on the coding strand, the reverse complement: BRCA1 is on the minus strand); duplicating any 4 consecutive bases within chr17:43,094,084-43,094,089 gives the same sequence; the c. name uses the placement nearest the transcript's 3' end. VCF-style (leftmost placement, unchanged base first): chr17-43094083-A-ATAAT. GRCh37 (hg19) VCF-style: chr17-41246100-A-ATAAT.
Other names: c.787+657_787+660dup (NM_001407976.1, NM_001407980.1, NM_001407993.1 and 19 more transcripts); c.652+657_652+660dup (NM_001408451.1); c.709+657_709+660dup (NM_001408412.1, NM_001408409.1, NM_001408414.1 and 2 more transcripts); c.643+657_643+660dup (NM_001408464.1, NM_001408470.1, NM_001408468.1 and 3 more transcripts); c.523+657_523+660dup (NM_001408498.1, NM_001408501.1, NM_001408500.1 and 3 more transcripts); c.451+657_451+660dup (NM_001408509.1, NM_001408508.1); c.460+1759_460+1762dup (NM_001408506.1, NM_001408507.1); c.583+657_583+660dup (NM_001408475.1); and 41 more; short protein forms I436fs, I483fs, I355fs, I394fs, I412fs, I416fs, I480fs, I356fs.
Identifiers: ClinVar variation 819234 (VCV000819234.5), dbSNP rs80357801, ClinGen allele CA915950135.

ClinVar aggregate classification (germline): Pathogenic (1 of 4 stars; one submission).

Conditions:
Hereditary cancer-predisposing syndrome. Also called: Tumor predisposition; Hereditary neoplastic syndrome; Neoplastic Syndromes, Hereditary; Hereditary Cancer Syndrome. Identifiers: Orphanet 140162, MedGen C0027672, MeSH D009386, MONDO:0015356.

Submission:

Ambry Genetics
Classification: Pathogenic for Hereditary cancer-predisposing syndrome. Last evaluated: 2019-10-28. Review status: criteria provided, single submitter. Criteria: Ambry Variant Classification Scheme 2023. Collection method: clinical testing. Allele origin: germline.
Comment: The c.1444_1447dupATTA pathogenic mutation, located in coding exon 9 of the BRCA1 gene, results from a duplication of ATTA at nucleotide position 1444, causing a translational frameshift with a predicted alternate stop codon (p.I483Nfs*8). This alteration is expected to result in loss of function by premature protein truncation or nonsense-mediated mRNA decay. As such, this alteration is interpreted as a disease-causing mutation.